The following is an entry in ClinVar:

NM_000295.5(SERPINA1):c.1108_1115delinsAAAAACA (p.Glu370fs)

Gene: SERPINA1 (serpin family A member 1; minus strand). Cytogenetic location: 14q32.13.
Variant type: Indel.
Coding change: c.1108_1115delinsAAAAACA on transcript NM_000295.5 (MANE Select); coding-DNA positions 1108 to 1115, GAAGCTGC replaced by AAAAACA.
Protein change: p.Glu370fs; shifts the reading frame from glutamic acid 370.
Molecular consequence: frameshift variant.
Genome position (GRCh38, 1-based): chr14:94,378,591-94,378,598, GCAGCTTC replaced by TGTTTTT on the plus strand (GAAGCTGC replaced by AAAAACA on the coding strand, the reverse complement: SERPINA1 is on the minus strand). VCF-style: chr14-94378591-GCAGCTTC-TGTTTTT. GRCh37 (hg19) VCF-style: chr14-94844928-GCAGCTTC-TGTTTTT.
Other names: c.1108_1115delinsAAAAACA, p.Glu370fs (NM_001002235.3, NM_001002236.3, NM_001127700.2 and 7 more transcripts); short protein forms E370fs.
Identifiers: ClinVar variation 219353 (VCV000219353.7), dbSNP rs864622043, ClinGen allele CA348973.

ClinVar aggregate classification (germline): Pathogenic. Review status: criteria provided, multiple submitters, no conflicts (2 of 4 stars). 3 submissions from 3 submitters: Pathogenic (2). 1 of the submissions does not count toward it. Last evaluated 2022-07-19.

Conditions:
Alpha-1-antitrypsin deficiency (A1ATD). Also called: AAT deficiency; A1AT deficiency; Alpha1-Antitrypsin Deficiency. Identifiers: Orphanet 60, MedGen C0221757, MONDO:0013282, OMIM 613490.

Submissions (3):

Labcorp Genetics (formerly Invitae), Labcorp
Classification: Pathogenic for Alpha-1-antitrypsin deficiency. Last evaluated: 2022-07-19. Review status: criteria provided, single submitter. Criteria: Invitae Variant Classification Sherloc (09022015). Collection method: clinical testing. Allele origin: germline.
Comment: This sequence change creates a premature translational stop signal (p.Glu370Lysfs*8) in the SERPINA1 gene. While this is not anticipated to result in nonsense mediated decay, it is expected to disrupt the last 49 amino acid(s) of the SERPINA1 protein. This variant is not present in population databases (gnomAD no frequency). This variant has not been reported in the literature in individuals affected with SERPINA1-related conditions. ClinVar contains an entry for this variant (Variation ID: 219353). This variant disrupts a region of the SERPINA1 protein in which other variant(s) (p.Glu387Argfs*14) have been determined to be pathogenic (PMID: 9070606, 11334395, 22016686; Invitae). This suggests that this is a clinically significant region of the protein, and that variants that disrupt it are likely to be disease-causing. For these reasons, this variant has been classified as Pathogenic.

HerediLab, Inc.
Classification: Pathogenic for Alpha-1-antitrypsin deficiency. Last evaluated: 2015-11-20. Review status: criteria provided, single submitter. Criteria: HerediLab_Assertion_Criteria. Collection method: clinical testing. Allele origin: germline. Affected: yes.

Child Health and Human Development Program, Research Institute of the McGill University Health Center
Classification: Pathogenic for Alpha-1-antitrypsin deficiency. Review status: no assertion criteria provided. Collection method: clinical testing. Allele origin: unknown. Inheritance: Codominant. Affected: yes. Observed: 1 heterozygote. Not counted in ClinVar's aggregate classification.
Comment: The AAT reference range at our institution is 0.99-2.59 g/L. AAT level was consistent with one functioning allele, which matches the heterozygous [c.1108_1115delinsAAAAACA (p.Glu370Lysfs*31)] detected by sequencing.

Literature cited by the submitters: PubMed 9070606 (cited by Labcorp Genetics (formerly Invitae), Labcorp); PubMed 11334395 (cited by Labcorp Genetics (formerly Invitae), Labcorp); PubMed 22016686 (cited by Labcorp Genetics (formerly Invitae), Labcorp).